The following is an entry in ClinVar:

NM_004991.4(MECOM):c.3015G>A (p.Met1005Ile)

Gene: MECOM (MDS1 and EVI1 complex locus; minus strand). Cytogenetic location: 3q26.2.
Variant type: single nucleotide variant.
Coding change: c.3015G>A on transcript NM_004991.4 (MANE Select); coding-DNA position 3015, G replaced by A.
Protein change: p.Met1005Ile; replaces methionine 1005 with isoleucine.
Molecular consequence: missense variant.
Genome position (GRCh38, 1-based): chr3:169,095,080, C>T on the plus strand (G>A on the coding strand, the complement: MECOM is on the minus strand). VCF-style: chr3-169095080-C-T. GRCh37 (hg19) VCF-style: chr3-168812868-C-T.
Other names: c.2646G>A, p.Met882Ile (NM_001105077.4); c.2451G>A, p.Met817Ile (NM_001105078.4, NM_001205194.2, NM_001366469.2 and 1 more transcripts); c.2427G>A, p.Met809Ile (NM_001163999.2, NM_001366470.2); c.2424G>A, p.Met808Ile (NM_001164000.2, NM_001366471.2, NM_001366472.2); c.2988G>A, p.Met996Ile (NM_001366466.2); c.2454G>A, p.Met818Ile (NM_001366467.2, NM_001366468.2); c.2016G>A, p.Met672Ile (NM_001366473.2); c.1452G>A, p.Met484Ile (NM_001366474.2); short protein forms M808I, M809I, M817I, M882I, M996I, M1005I, M818I, M484I.
Identifiers: ClinVar variation 5024131 (VCV005024131.1).

ClinVar aggregate classification (germline): Uncertain significance (1 of 4 stars; one submission).

Conditions:
Inborn genetic diseases. Identifiers: MedGen C0950123, MeSH D030342.

Submission:

Ambry Genetics
Classification: Uncertain significance for Inborn genetic diseases. Last evaluated: 2026-07-11. Review status: criteria provided, single submitter. Criteria: Ambry Variant Classification Scheme 2023. Collection method: clinical testing. Allele origin: germline.
Comment: The p.M1005I variant (also known as c.3015G>A), located in coding exon 13 of the MECOM gene, results from a G to A substitution at nucleotide position 3015. The methionine at codon 1005 is replaced by isoleucine, an amino acid with highly similar properties. This amino acid position is conserved. In addition, this alteration is predicted to be tolerated by in silico analysis. Based on the available evidence, the clinical significance of this variant remains unclear.